The following is an entry in ClinVar:

NM_000180.4(GUCY2D):c.1978C>T (p.Arg660Ter)

Gene: GUCY2D (guanylate cyclase 2D, retinal; plus strand). Cytogenetic location: 17p13.1.
Variant type: single nucleotide variant.
Coding change: c.1978C>T on transcript NM_000180.4 (MANE Select); coding-DNA position 1978, C replaced by T.
Protein change: p.Arg660Ter; replaces arginine 660 with a stop codon.
Molecular consequence: nonsense.
Genome position (GRCh38, 1-based): chr17:8,012,471, C>T. VCF-style: chr17-8012471-C-T. GRCh37 (hg19) VCF-style: chr17-7915789-C-T.
Other names: short protein forms R660*.
Identifiers: ClinVar variation 98554 (VCV000098554.14), dbSNP rs61750161, ClinGen allele CA226062.

ClinVar aggregate classification (germline): Pathogenic. Review status: criteria provided, multiple submitters, no conflicts (2 of 4 stars). 5 submissions from 5 submitters: Pathogenic (3). 2 of the submissions do not count toward it. Last evaluated 2025-04-28.

Conditions:
Retinal dystrophy. Also called: Inherited retinal dystrophy. Identifiers: Orphanet 71862, MedGen C0854723, MeSH D058499, MONDO:0019118, HP:0000556.
Cone-rod dystrophy 6 (CORD6). Also called: RETINAL CONE DYSTROPHY 2; Cone dystrophy progressive. Identifiers: Orphanet 1872, MedGen C1866293, MONDO:0011143, OMIM 601777.
Leber congenital amaurosis 1 (LCA1). Also called: RETINAL BLINDNESS, CONGENITAL; AMAUROSIS CONGENITA OF LEBER I; Congenital absence of the rods and cones; Leber's congenital tapetoretinal degeneration; Leber's congenital tapetoretinal dysplasia. Identifiers: Orphanet 65, MedGen C2931258, MONDO:0008764, OMIM 204000.
Leber congenital amaurosis (LCA). Also called: Leber's amaurosis. Identifiers: Orphanet 65, MedGen C0339527, MeSH D057130, MONDO:0018998.

Allele frequency attached by ClinVar (database versions not stated): gnomAD 0.00001; TOPMed 0.00001; 1000 Genomes Project 30x 0.00016; 1000 Genomes Project 0.00020; gnomAD exomes below 0.00001.
gnomAD v4.1: 7 of 1,614,052 alleles (0.00043%); highest among the groups gnomAD compares: East Asian, 0.0045%; no homozygotes.

Submissions (5):

Labcorp Genetics (formerly Invitae), Labcorp
Classification: Pathogenic for Leber congenital amaurosis 1; Cone-rod dystrophy 6. Last evaluated: 2025-04-28. Review status: criteria provided, single submitter. Criteria: Invitae Variant Classification Sherloc (09022015). Collection method: clinical testing. Allele origin: germline.
Comment: This sequence change creates a premature translational stop signal (p.Arg660*) in the GUCY2D gene. It is expected to result in an absent or disrupted protein product. Loss-of-function variants in GUCY2D are known to be pathogenic (PMID: 10951519, 11328726). This variant is present in population databases (rs61750161, gnomAD 0.0009%). This premature translational stop signal has been observed in individuals with Leber congenital amaurosis (PMID: 24997176). ClinVar contains an entry for this variant (Variation ID: 98554). For these reasons, this variant has been classified as Pathogenic.

Women's Health and Genetics/Laboratory Corporation of America, LabCorp
Classification: Pathogenic for Leber congenital amaurosis. Last evaluated: 2024-11-04. Review status: criteria provided, single submitter. Criteria: LabCorp Variant Classification Summary - May 2015. Collection method: clinical testing. Allele origin: germline.
Comment: Variant summary: GUCY2D c.1978C>T (p.Arg660X) results in a premature termination codon, predicted to cause a truncation of the encoded protein or absence of the protein due to nonsense mediated decay, which are commonly known mechanisms for disease. The variant allele was found at a frequency of 4e-06 in 251328 control chromosomes. c.1978C>T has been reported in the literature in multiple individuals affected with Leber Congenital Amaurosis (examples: Li_2008). These data indicate that the variant is very likely to be associated with disease. The following publication has been ascertained in the context of this evaluation (PMID: 18936139). ClinVar contains an entry for this variant (Variation ID: 98554). Based on the evidence outlined above, the variant was classified as pathogenic.

Institute of Human Genetics, Univ. Regensburg, Univ. Regensburg
Classification: Pathogenic for Retinal dystrophy. Last evaluated: 2021-01-01. Review status: criteria provided, single submitter. Criteria: ACMG Guidelines, 2015. Collection method: clinical testing. Allele origin: germline. Affected: yes.

Laboratory of Genetics in Ophthalmology, Institut Imagine
Classification: Pathogenic for Leber congenital amaurosis 1. Review status: no assertion criteria provided. Collection method: research. Allele origin: inherited. Affected: yes. Observed: 1 variant allele. Not counted in ClinVar's aggregate classification.

Retina International
No classification provided. Review status: no classification provided. Collection method: not provided. Allele origin: not provided. Not counted in ClinVar's aggregate classification.

Literature cited by the submitters: PubMed 10951519 (cited by Labcorp Genetics (formerly Invitae), Labcorp); PubMed 11328726 (cited by Labcorp Genetics (formerly Invitae), Labcorp); PubMed 24997176 (cited by Labcorp Genetics (formerly Invitae), Labcorp); PubMed 18936139 (cited by Women's Health and Genetics/Laboratory Corporation of America, LabCorp); PubMed 10766140 (cited by Institute of Human Genetics, Univ. Regensburg, Univ. Regensburg and Laboratory of Genetics in Ophthalmology, Institut Imagine); PubMed 25525159 (cited by Institute of Human Genetics, Univ. Regensburg, Univ. Regensburg); PubMed 31964843 (cited by Institute of Human Genetics, Univ. Regensburg, Univ. Regensburg); PubMed 32165824 (cited by Institute of Human Genetics, Univ. Regensburg, Univ. Regensburg); PubMed 31816670 (cited by Institute of Human Genetics, Univ. Regensburg, Univ. Regensburg); PubMed 36460718 (cited by Institute of Human Genetics, Univ. Regensburg, Univ. Regensburg).